The following is an entry in ClinVar:

ClinVar aggregate classification (germline): Uncertain significance (1 of 4 stars; one submission).

gnomAD v4.1: 22 of 1,613,400 alleles (0.0014%); highest among the groups gnomAD compares: Non-Finnish European, 0.0017%; no homozygotes.

Submission:

GeneDx
Classification: Uncertain significance. Last evaluated: 2025-04-13. Review status: criteria provided, single submitter. Criteria: GeneDx Variant Classification Process June 2021. Collection method: clinical testing. Allele origin: germline. Affected: yes.
Comment: Not observed at significant frequency in large population cohorts (gnomAD); In silico analysis supports that this missense variant has a deleterious effect on protein structure/function; Has not been previously published as pathogenic or benign to our knowledge

NM_001270974.2(HYDIN):c.13643G>A (p.Arg4548His)

Gene: HYDIN (HYDIN axonemal central pair apparatus protein; minus strand). Cytogenetic location: 16q22.2.
Variant type: single nucleotide variant.
Coding change: c.13643G>A on transcript NM_001270974.2 (MANE Select); coding-DNA position 13643, G replaced by A.
Protein change: p.Arg4548His; replaces arginine 4548 with histidine.
Molecular consequence: missense variant.
Genome position (GRCh38, 1-based): chr16:70,833,923, C>T on the plus strand (G>A on the coding strand, the complement: HYDIN is on the minus strand). VCF-style: chr16-70833923-C-T. GRCh37 (hg19) VCF-style: chr16-70867826-C-T.
Other names: short protein forms R4548H.
Identifiers: ClinVar variation 4282493 (VCV004282493.1).
Genomic context (GRCh38, chr16:70,833,923, plus strand): 5'-GGGTGGGAGACACTGCTCCCTTACCTTGCACCCACATCGCCTGTGTTCATCATGAGGATG[C>T]GACGTGTGGCTTGCGTCTGATACACCACGGGTCCAAAGGGAATATGTTCCTGGTCCAGTG-3'
Protein context (NP_001257903.1, residues 4538-4558): PVVYQTQATR[Arg4548His]ILMMNTGDVG